The following is an entry in ClinVar:

NM_018249.6(CDK5RAP2):c.3666A>G (p.Gln1222=)

Gene: CDK5RAP2 (CDK5 regulatory subunit associated protein 2; minus strand). Cytogenetic location: 9q33.2.
Variant type: single nucleotide variant.
Coding change: c.3666A>G on transcript NM_018249.6 (MANE Select); coding-DNA position 3666, A replaced by G.
Protein change: p.Gln1222=; no amino-acid change (glutamine 1222 retained).
Molecular consequence: synonymous variant. On other transcripts: non-coding transcript variant (5).
Genome position (GRCh38, 1-based): chr9:120,439,455, T>C on the plus strand (A>G on the coding strand, the complement: CDK5RAP2 is on the minus strand). VCF-style: chr9-120439455-T-C. GRCh37 (hg19) VCF-style: chr9-123201733-T-C.
Other names: c.3666A>G, p.Gln1222= (NM_001011649.3); c.2976A>G, p.Gln992= (NM_001272039.2).
Identifiers: ClinVar variation 158142 (VCV000158142.21), dbSNP rs77925703, ClinGen allele CA171577.
Genomic context (GRCh38, chr9:120,439,455, plus strand): 5'-GTACCTGGGAGGTGAGAGATCTCTGAACTTATTCTGCAGATTATGGATCTCACTGAAAAG[T>C]TGCATGTTCAAATTCTGCTCCTTCTGCAGCTTGTATTCCTGTTCCTCCAGCTGCTGTTTG-3'
Protein context (NP_060719.4, residues 1212-1232): KLQKEQNLNM[Gln1222=]LFSEIHNLQN

ClinVar aggregate classification (germline): Benign. Review status: criteria provided, multiple submitters, no conflicts (2 of 4 stars). 6 submissions from 6 submitters: Benign (5). 1 of the submissions does not count toward it. Last evaluated 2026-02-02.

Conditions:
CDK5RAP2-related disorder. Also called: CDK5RAP2-related condition.
Microcephaly 3, primary, autosomal recessive. Identifiers: Orphanet 2512, MedGen C1858108, MONDO:0011488, OMIM 604804.

Allele frequency attached by ClinVar (database versions not stated): ESP Exome Variant Server 0.00054; gnomAD exomes 0.00356 and 0.01725; gnomAD 0.00537 and 0.00559; 1000 Genomes Project 0.00839; 1000 Genomes Project 30x 0.00937; TOPMed 0.01028; ExAC 0.01367.

Submissions (6):

Labcorp Genetics (formerly Invitae), Labcorp
Classification: Benign. Last evaluated: 2026-02-02. Review status: criteria provided, single submitter. Criteria: Invitae Variant Classification Sherloc (09022015). Collection method: clinical testing. Allele origin: germline.

Illumina Laboratory Services, Illumina
Classification: Benign for Microcephaly 3, primary, autosomal recessive. Last evaluated: 2018-01-13. Review status: criteria provided, single submitter. Criteria: ICSL Variant Classification Criteria 13 December 2019. Collection method: clinical testing. Allele origin: germline.
Comment: This variant was observed in the ICSL laboratory as part of a predisposition screen in an ostensibly healthy population. It had not been previously curated by ICSL or reported in the Human Gene Mutation Database (HGMD: prior to June 1st, 2018), and was therefore a candidate for classification through an automated scoring system. Utilizing variant allele frequency, disease prevalence and penetrance estimates, and inheritance mode, an automated score was calculated to assess if this variant is too frequent to cause the disease. Based on the score and internal cut-off values, a variant classified as benign is not then subjected to further curation. The score for this variant resulted in a classification of benign for this disease.

GeneDx
Classification: Benign. Last evaluated: 2015-03-03. Review status: criteria provided, single submitter. Criteria: GeneDx Variant Classification Process June 2021. Collection method: clinical testing. Allele origin: germline. Affected: yes.

Genetic Services Laboratory, University of Chicago
Classification: Benign. Last evaluated: 2013-07-08. Review status: criteria provided, single submitter. Criteria: ACMG Guidelines, 2007. Collection method: clinical testing. Allele origin: germline. Inheritance: Autosomal recessive inheritance.

Breakthrough Genomics
Classification: Benign. Review status: criteria provided, single submitter. Criteria: ACMG Guidelines, 2015. Collection method: not provided. Allele origin: germline. Inheritance: Autosomal recessive inheritance. Affected: yes.

PreventionGenetics, part of Exact Sciences
Classification: Benign for CDK5RAP2-related condition. Last evaluated: 2019-09-05. Review status: no assertion criteria provided. Collection method: clinical testing. Allele origin: germline. Not counted in ClinVar's aggregate classification.
Comment: This variant is classified as benign based on ACMG/AMP sequence variant interpretation guidelines (Richards et al. 2015 PMID: 25741868, with internal and published modifications).